The following is an entry in ClinVar:

NM_001039141.3(TRIOBP):c.1101_1105del (p.Phe368fs)

Gene: TRIOBP (TRIO and F-actin binding protein; plus strand). Cytogenetic location: 22q13.1.
Variant type: Deletion.
Coding change: c.1101_1105del on transcript NM_001039141.3 (MANE Select); coding-DNA positions 1101 to 1105, 5 bases deleted (TTTTC; older notation c.1101_1105delTTTTC).
Protein change: p.Phe368fs; shifts the reading frame from phenylalanine 368.
Molecular consequence: frameshift variant.
Genome position (GRCh38, 1-based): chr22:37,723,657-37,723,661, TTTTC deleted; deleting any 5 consecutive bases within chr22:37,723,654-37,723,661 gives the same sequence; the c. name uses the placement nearest the transcript's 3' end. VCF-style (leftmost placement, unchanged base first): chr22-37723653-CTTCTT-C. GRCh37 (hg19) VCF-style: chr22-38119660-CTTCTT-C.
Other names: short protein forms F368fs.
Identifiers: ClinVar variation 3601944 (VCV003601944.1).

ClinVar aggregate classification (germline): Pathogenic (1 of 4 stars; one submission).

Conditions:
Autosomal recessive nonsyndromic hearing loss 28. Identifiers: Orphanet 90636, MedGen C1853276, MONDO:0012355, OMIM 609823.

Submission:

Institute of Rare Diseases, West China Hospital, Sichuan University
Classification: Pathogenic for Autosomal recessive nonsyndromic hearing loss 28. Last evaluated: 2025-01-09. Review status: criteria provided, single submitter. Criteria: ClinGen HL ACMG Specifications v1. Collection method: research. Allele origin: germline. Affected: yes.
Comment: PVS1;PM3_Supporting;PM2_Supporting